The following is an entry in ClinVar:

NM_006059.4(LAMC3):c.187C>A (p.Pro63Thr)

Gene: LAMC3 (laminin subunit gamma 3; plus strand). Cytogenetic location: 9q34.12.
Variant type: single nucleotide variant.
Coding change: c.187C>A on transcript NM_006059.4 (MANE Select); coding-DNA position 187, C replaced by A.
Protein change: p.Pro63Thr; replaces proline 63 with threonine.
Molecular consequence: missense variant.
Genome position (GRCh38, 1-based): chr9:131,009,401, C>A. VCF-style: chr9-131009401-C-A. GRCh37 (hg19) VCF-style: chr9-133884788-C-A.
Other names: short protein forms P63T.
Identifiers: ClinVar variation 1930552 (VCV001930552.5), dbSNP rs1354255622, ClinGen allele CA375250566.
Genomic context (GRCh38, chr9:131,009,401, plus strand): 5'-GCGTTTGGGCGGCTCGCCCAGGCCTCGCACACGTGCGGCAGCCCGCCCGAGGACTTCTGT[C>A]CCCACGTGGGCGCCGCGGGCGCGGGGGCTCATTGCCAGCGCTGCGACGCCGCCGACCCCC-3'
Protein context (NP_006050.3, residues 53-73): TCGSPPEDFC[Pro63Thr]HVGAAGAGAH

ClinVar aggregate classification (germline): Uncertain significance (1 of 4 stars; one submission).

Allele frequency attached by ClinVar (database versions not stated): gnomAD 0.00001; TOPMed 0.00001.
gnomAD v4.1: 9 of 1,539,050 alleles (0.00058%); highest among the groups gnomAD compares: Non-Finnish European, 0.00079%; no homozygotes.

Submission:

Labcorp Genetics (formerly Invitae), Labcorp
Classification: Uncertain significance. Last evaluated: 2022-06-09. Review status: criteria provided, single submitter. Criteria: Invitae Variant Classification Sherloc (09022015). Collection method: clinical testing. Allele origin: germline.
Comment: Algorithms developed to predict the effect of missense changes on protein structure and function are either unavailable or do not agree on the potential impact of this missense change (SIFT: "Tolerated"; PolyPhen-2: "Possibly Damaging"; Align-GVGD: "Class C0"). In summary, the available evidence is currently insufficient to determine the role of this variant in disease. Therefore, it has been classified as a Variant of Uncertain Significance. This variant has not been reported in the literature in individuals affected with LAMC3-related conditions. This variant is not present in population databases (gnomAD no frequency). This sequence change replaces proline, which is neutral and non-polar, with threonine, which is neutral and polar, at codon 63 of the LAMC3 protein (p.Pro63Thr).